The following is an entry in ClinVar:

ClinVar aggregate classification (germline): Uncertain significance (1 of 4 stars; one submission).

Allele frequency attached by ClinVar (database versions not stated): gnomAD exomes below 0.00001 and 0.00001; TOPMed below 0.00001; gnomAD 0.00001; ExAC 0.00002.
gnomAD v4.1: 6 of 1,613,042 alleles (0.00037%); highest among the groups gnomAD compares: Non-Finnish European, 0.00051%; no homozygotes.

Submission:

Labcorp Genetics (formerly Invitae), Labcorp
Classification: Uncertain significance. Last evaluated: 2024-01-04. Review status: criteria provided, single submitter. Criteria: Invitae Variant Classification Sherloc (09022015). Collection method: clinical testing. Allele origin: germline.
Comment: This sequence change replaces threonine, which is neutral and polar, with isoleucine, which is neutral and non-polar, at codon 226 of the CFB protein (p.Thr226Ile). This variant is present in population databases (rs763140485, gnomAD 0.002%). This variant has not been reported in the literature in individuals affected with CFB-related conditions. ClinVar contains an entry for this variant (Variation ID: 1444605). Advanced modeling of protein sequence and biophysical properties (such as structural, functional, and spatial information, amino acid conservation, physicochemical variation, residue mobility, and thermodynamic stability) performed at Invitae indicates that this missense variant is expected to disrupt CFB protein function with a positive predictive value of 80%. In summary, the available evidence is currently insufficient to determine the role of this variant in disease. Therefore, it has been classified as a Variant of Uncertain Significance.

NM_001710.6(CFB):c.677C>T (p.Thr226Ile)

Gene: CFB (complement factor B; plus strand). Cytogenetic location: 6p21.33.
Variant type: single nucleotide variant.
Coding change: c.677C>T on transcript NM_001710.6 (MANE Select); coding-DNA position 677, C replaced by T.
Protein change: p.Thr226Ile; replaces threonine 226 with isoleucine.
Molecular consequence: missense variant.
Genome position (GRCh38, 1-based): chr6:31,947,760, C>T. VCF-style: chr6-31947760-C-T. GRCh37 (hg19) VCF-style: chr6-31915537-C-T.
Other names: short protein forms T226I.
Identifiers: ClinVar variation 1444605 (VCV001444605.8), dbSNP rs763140485, ClinGen allele CA3728118.